The following is an entry in ClinVar:

NM_001267550.2(TTN):c.21103G>A (p.Val7035Ile)

Genes: TTN (titin; minus strand), LOC126806428 (BRD4-independent group 4 enhancer GRCh37_chr2:179588362-179589561; plus strand). Cytogenetic location: 2q31.2.
Variant type: single nucleotide variant.
Coding change: c.21103G>A on transcript NM_001267550.2 (MANE Select); coding-DNA position 21103, G replaced by A.
Protein change: p.Val7035Ile; replaces valine 7035 with isoleucine.
Molecular consequence: missense variant. On other transcripts: intron variant (3).
Genome position (GRCh38, 1-based): chr2:178,724,272, C>T on the plus strand (G>A on the coding strand, the complement: TTN is on the minus strand). VCF-style: chr2-178724272-C-T. GRCh37 (hg19) VCF-style: chr2-179588999-C-T.
Other names: c.20152G>A, p.Val6718Ile (NM_001256850.1); c.17371G>A, p.Val5791Ile (NM_133378.4); c.13282+13810G>A (NM_003319.4); c.13858+13810G>A (NM_133437.4); c.13657+13810G>A (NM_133432.3); short protein forms V5791I, V7035I, V6718I.
Identifiers: ClinVar variation 499085 (VCV000499085.34), dbSNP rs1553913782, ClinGen allele CA349538874.

ClinVar aggregate classification (germline): Uncertain significance. Review status: criteria provided, multiple submitters, no conflicts (2 of 4 stars). 3 submissions from 3 submitters: Uncertain significance (3). Last evaluated 2024-01-01.

Conditions:
Cardiomyopathy (CMYO). Also called: Cardiomyopathies. Identifiers: Orphanet 167848, MedGen C0878544, MONDO:0004994, HP:0001638. Inheritance: Various modes of inheritance.

Allele frequency attached by ClinVar (database versions not stated): gnomAD exomes 0.00001.

Submissions (3):

CeGaT Center for Human Genetics Tuebingen
Classification: Uncertain significance. Last evaluated: 2024-01-01. Review status: criteria provided, single submitter. Criteria: CeGaT Center For Human Genetics Tuebingen Variant Classification Criteria Version 2. Collection method: clinical testing. Allele origin: germline. Affected: yes. Observed: 2 variant alleles.
Comment: TTN: PM2, BP1, BP4

CHEO Genetics Diagnostic Laboratory, Children's Hospital of Eastern Ontario
Classification: Uncertain significance for Cardiomyopathy. Last evaluated: 2018-07-24. Review status: criteria provided, single submitter. Criteria: ACMG Guidelines, 2015. Collection method: clinical testing. Allele origin: germline.

Eurofins Ntd Llc (ga)
Classification: Uncertain significance. Last evaluated: 2016-12-30. Review status: criteria provided, single submitter. Criteria: EGL Classification Definitions 2015. Collection method: clinical testing. Allele origin: germline. Observed: 1 variant allele, 1 heterozygote.